The following is an entry in ClinVar:

ClinVar aggregate classification (germline): Uncertain significance (1 of 4 stars; one submission).

Allele frequency attached by ClinVar (database versions not stated): gnomAD exomes 0.00001; ExAC 0.00003.
gnomAD v4.1: 11 of 1,589,456 alleles (0.00069%); highest among the groups gnomAD compares: South Asian, 0.012%; 1 homozygote.

Submission:

Labcorp Genetics (formerly Invitae), Labcorp
Classification: Uncertain significance. Last evaluated: 2022-03-26. Review status: criteria provided, single submitter. Criteria: Invitae Variant Classification Sherloc (09022015). Collection method: clinical testing. Allele origin: germline.
Comment: This sequence change replaces threonine, which is neutral and polar, with serine, which is neutral and polar, at codon 1467 of the MPDZ protein (p.Thr1467Ser). This variant is present in population databases (rs765313224, gnomAD 0.02%). This variant has not been reported in the literature in individuals affected with MPDZ-related conditions. Algorithms developed to predict the effect of missense changes on protein structure and function (SIFT, PolyPhen-2, Align-GVGD) all suggest that this variant is likely to be tolerated. In summary, the available evidence is currently insufficient to determine the role of this variant in disease. Therefore, it has been classified as a Variant of Uncertain Significance.

NM_001378778.1(MPDZ):c.4400C>G (p.Thr1467Ser)

Gene: MPDZ (multiple PDZ domain crumbs cell polarity complex component; minus strand). Cytogenetic location: 9p23.
Variant type: single nucleotide variant.
Coding change: c.4400C>G on transcript NM_001378778.1 (MANE Select); coding-DNA position 4400, C replaced by G.
Protein change: p.Thr1467Ser; replaces threonine 1467 with serine.
Molecular consequence: missense variant.
Genome position (GRCh38, 1-based): chr9:13,133,888, G>C on the plus strand (C>G on the coding strand, the complement: MPDZ is on the minus strand). VCF-style: chr9-13133888-G-C. GRCh37 (hg19) VCF-style: chr9-13133887-G-C.
Other names: c.4301C>G, p.Thr1434Ser (NM_001261406.2, NM_001261407.2, NM_001375416.1 and 3 more transcripts); c.4400C>G, p.Thr1467Ser (NM_001330637.2, NM_003829.5); c.4499C>G, p.Thr1500Ser (NM_001375413.1); c.4190C>G, p.Thr1397Ser (NM_001375420.1, NM_001375421.1, NM_001375422.1 and 4 more transcripts); c.3992C>G, p.Thr1331Ser (NM_001375427.1); short protein forms T1331S, T1397S, T1434S, T1467S, T1500S.
Identifiers: ClinVar variation 2415718 (VCV002415718.2), dbSNP rs765313224, ClinGen allele CA4986721.